The following is an entry in ClinVar:

ClinVar aggregate classification (germline): Likely benign (1 of 4 stars; one submission).

Conditions:
Developmental and epileptic encephalopathy, 14 (DEE14). Also called: Early infantile epileptic encephalopathy 14. Identifiers: Orphanet 293181, MedGen C3554195, MONDO:0013989, OMIM 614959.

Submission:

Institute of Human Genetics, University of Leipzig Medical Center
Classification: Likely benign for Developmental and epileptic encephalopathy, 14. Last evaluated: 2025-11-17. Review status: criteria provided, single submitter. Criteria: ACMG Guidelines, 2015. Collection method: clinical testing. Allele origin: paternal. Inheritance: Autosomal dominant inheritance. Affected: no.
Comment: Criteria applied: PM2,BP1,BS2

NM_020822.3(KCNT1):c.1192dup (p.Arg398fs)

Gene: KCNT1 (potassium sodium-activated channel subfamily T member 1; plus strand). Cytogenetic location: 9q34.3.
Variant type: Duplication.
Coding change: c.1192dup on transcript NM_020822.3 (MANE Select); coding-DNA position 1192, one base duplicated (C; older notation c.1192dupC).
Protein change: p.Arg398fs; shifts the reading frame from arginine 398.
Molecular consequence: frameshift variant.
Genome position (GRCh38, 1-based): chr9:135,765,187, C duplicated; the last of 5 consecutive C bases (chr9:135,765,183-135,765,187); duplicating any one gives the same sequence. VCF-style (leftmost placement, unchanged base first): chr9-135765182-A-AC. GRCh37 (hg19) VCF-style: chr9-138657028-A-AC.
Other names: c.1057dup, p.Arg353fs (NM_001272003.2); short protein forms R353fs, R398fs.
Identifiers: ClinVar variation 4533302 (VCV004533302.1).